The following is an entry in ClinVar:

ClinVar aggregate classification (germline): Pathogenic/Likely pathogenic. Review status: criteria provided, multiple submitters, no conflicts (2 of 4 stars). 2 submissions from 2 submitters: Pathogenic (1); Likely pathogenic (1). Last evaluated 2025-10-28.

Conditions:
IMPG1-related disorder. Also called: IMPG1-related condition.

Allele frequency attached by ClinVar (database versions not stated): ExAC 0.00003.
gnomAD v4.1: 19 of 1,612,666 alleles (0.0012%); highest among the groups gnomAD compares: Admixed American, 0.0033%; no homozygotes.

Submissions (2):

Labcorp Genetics (formerly Invitae), Labcorp
Classification: Pathogenic. Last evaluated: 2025-10-28. Review status: criteria provided, single submitter. Criteria: Invitae Variant Classification Sherloc (09022015). Collection method: clinical testing. Allele origin: germline.
Comment: This sequence change creates a premature translational stop signal (p.Arg614*) in the IMPG1 gene. It is expected to result in an absent or disrupted protein product. Loss-of-function variants in IMPG1 are known to be pathogenic (PMID: 23993198). This variant is present in population databases (rs745936741, gnomAD 0.01%). This variant has not been reported in the literature in individuals affected with IMPG1-related conditions. ClinVar contains an entry for this variant (Variation ID: 1916774). Algorithms developed to predict the effect of sequence changes on RNA splicing suggest that this variant may create or strengthen a splice site. For these reasons, this variant has been classified as Pathogenic.

Blueprint Genetics
Classification: Likely pathogenic for IMPG1-related disorders. Last evaluated: 2024-08-30. Review status: criteria provided, single submitter. Criteria: ACMG Guidelines, 2015. Collection method: clinical testing. Allele origin: germline. Affected: yes. Observed: 2 variant alleles.

Literature cited by the submitters: PubMed 23993198 (cited by Labcorp Genetics (formerly Invitae), Labcorp).

NM_001563.4(IMPG1):c.1840C>T (p.Arg614Ter)

Gene: IMPG1 (interphotoreceptor matrix proteoglycan 1; minus strand). Cytogenetic location: 6q14.1.
Variant type: single nucleotide variant.
Coding change: c.1840C>T on transcript NM_001563.4 (MANE Select); coding-DNA position 1840, C replaced by T.
Protein change: p.Arg614Ter; replaces arginine 614 with a stop codon.
Molecular consequence: nonsense.
Genome position (GRCh38, 1-based): chr6:75,947,518, G>A on the plus strand (C>T on the coding strand, the complement: IMPG1 is on the minus strand). VCF-style: chr6-75947518-G-A. GRCh37 (hg19) VCF-style: chr6-76657235-G-A.
Other names: c.1606C>T, p.Arg536Ter (NM_001282368.2); short protein forms R536*, R614*.
Identifiers: ClinVar variation 1916774 (VCV001916774.6), dbSNP rs745936741, ClinGen allele CA3898025.